The following is an entry in ClinVar:

ClinVar aggregate classification (germline): Uncertain significance. Review status: criteria provided, single submitter (1 of 4 stars). 2 submissions from 2 submitters: Uncertain significance (1). 1 of the submissions does not count toward it. Last evaluated 2024-04-29.

Conditions:
Fanconi anemia (FA). Also called: Fanconi's anemia. Identifiers: Orphanet 84, MedGen C0015625, MeSH D005199, MONDO:0019391.
Fanconi anemia complementation group G. Also called: FANCG-Related Fanconi Anemia; Fanconi anemia group G. Identifiers: Orphanet 84, MedGen C3469527, MONDO:0013565, OMIM 614082.

Allele frequency attached by ClinVar (database versions not stated): gnomAD 0.00003; TOPMed 0.00008.
gnomAD v4.1: 11 of 1,614,122 alleles (0.00068%); highest among the groups gnomAD compares: East Asian, 0.025%; no homozygotes.

Submissions (2):

Labcorp Genetics (formerly Invitae), Labcorp
Classification: Uncertain significance for Fanconi anemia. Last evaluated: 2024-04-29. Review status: criteria provided, single submitter. Criteria: Invitae Variant Classification Sherloc (09022015). Collection method: clinical testing. Allele origin: germline.
Comment: This sequence change replaces arginine, which is basic and polar, with threonine, which is neutral and polar, at codon 573 of the FANCG protein (p.Arg573Thr). This variant is present in population databases (rs200466062, gnomAD 0.07%). This variant has not been reported in the literature in individuals affected with FANCG-related conditions. ClinVar contains an entry for this variant (Variation ID: 408137). Advanced modeling of protein sequence and biophysical properties (such as structural, functional, and spatial information, amino acid conservation, physicochemical variation, residue mobility, and thermodynamic stability) performed at Invitae indicates that this missense variant is not expected to disrupt FANCG protein function with a negative predictive value of 80%. Algorithms developed to predict the effect of sequence changes on RNA splicing suggest that this variant may create or strengthen a splice site. In summary, the available evidence is currently insufficient to determine the role of this variant in disease. Therefore, it has been classified as a Variant of Uncertain Significance.

Natera, Inc.
Classification: Uncertain significance for Fanconi anemia group G. Last evaluated: 2019-10-28. Review status: no assertion criteria provided. Collection method: clinical testing. Allele origin: germline. Not counted in ClinVar's aggregate classification.

NM_004629.2(FANCG):c.1718G>C (p.Arg573Thr)

Gene: FANCG (FA complementation group G; minus strand). Cytogenetic location: 9p13.3.
Variant type: single nucleotide variant.
Coding change: c.1718G>C on transcript NM_004629.2 (MANE Select); coding-DNA position 1718, G replaced by C.
Protein change: p.Arg573Thr; replaces arginine 573 with threonine.
Molecular consequence: missense variant.
Genome position (GRCh38, 1-based): chr9:35,074,413, C>G on the plus strand (G>C on the coding strand, the complement: FANCG is on the minus strand). VCF-style: chr9-35074413-C-G. GRCh37 (hg19) VCF-style: chr9-35074410-C-G.
Other names: short protein forms R573T.
Identifiers: ClinVar variation 408137 (VCV000408137.7), dbSNP rs200466062, ClinGen allele CA5039646.